The following is an entry in ClinVar:

ClinVar aggregate classification (germline): Uncertain significance. Review status: criteria provided, single submitter (1 of 4 stars). 2 submissions from 2 submitters: Uncertain significance (1). 1 of the submissions does not count toward it. Last evaluated 2024-11-24.

Conditions:
PLIN1-related disorder. Also called: PLIN1-related condition.

Submissions (2):

Ambry Genetics
Classification: Uncertain significance. Last evaluated: 2024-11-24. Review status: criteria provided, single submitter. Criteria: Ambry Variant Classification Scheme 2023. Collection method: clinical testing. Allele origin: germline.

PreventionGenetics, part of Exact Sciences
Classification: Uncertain significance for PLIN1-related condition. Last evaluated: 2024-04-23. Review status: no assertion criteria provided. Collection method: clinical testing. Allele origin: germline. Not counted in ClinVar's aggregate classification.
Comment: The PLIN1 c.325C>A variant is predicted to result in the amino acid substitution p.Pro109Thr. To our knowledge, this variant has not been reported in the literature. This variant is reported in 0.0026% of alleles in individuals of European (Non-Finnish) descent in gnomAD. At this time, the clinical significance of this variant is uncertain due to the absence of conclusive functional and genetic evidence.

NM_002666.5(PLIN1):c.325C>A (p.Pro109Thr)

Gene: PLIN1 (perilipin 1; minus strand). Cytogenetic location: 15q26.1.
Variant type: single nucleotide variant.
Coding change: c.325C>A on transcript NM_002666.5 (MANE Select); coding-DNA position 325, C replaced by A.
Protein change: p.Pro109Thr; replaces proline 109 with threonine.
Molecular consequence: missense variant.
Genome position (GRCh38, 1-based): chr15:89,671,490, G>T on the plus strand (C>A on the coding strand, the complement: PLIN1 is on the minus strand). VCF-style: chr15-89671490-G-T. GRCh37 (hg19) VCF-style: chr15-90214721-G-T.
Other names: c.325C>A, p.Pro109Thr (NM_001145311.2); short protein forms P109T.
Identifiers: ClinVar variation 3354774 (VCV003354774.2).